The following is an entry in ClinVar:

NM_022081.6(HPS4):c.*1250C>T

Gene: HPS4 (HPS4 biogenesis of lysosomal organelles complex 3 subunit 2; minus strand). Cytogenetic location: 22q12.1.
Variant type: single nucleotide variant.
Coding change: c.*1250C>T on transcript NM_022081.6 (MANE Select); 1250 bases downstream of the stop codon, C replaced by T.
Molecular consequence: 3 prime UTR variant. On other transcripts: non-coding transcript variant (7), intron variant (2).
Genome position (GRCh38, 1-based): chr22:26,451,983, G>A on the plus strand (C>T on the coding strand, the complement: HPS4 is on the minus strand). VCF-style: chr22-26451983-G-A. GRCh37 (hg19) VCF-style: chr22-26847949-G-A.
Other names: c.*1250C>T (NM_001349896.1, NM_001349898.2, NM_001349899.2 and 3 more transcripts); c.*1185C>T (NM_001349902.1, NM_001349903.2); c.1955+5876C>T (NM_001349905.1, NM_001349904.2).
Identifiers: ClinVar variation 340972 (VCV000340972.5), dbSNP rs7291576, ClinGen allele CA10653941.

ClinVar aggregate classification (germline): Benign (1 of 4 stars; one submission).

Conditions:
Hermansky-Pudlak syndrome 4 (HPS4). Identifiers: Orphanet 231500, Orphanet 79430, MedGen C3484357, MONDO:0013556, OMIM 614073.

Allele frequency attached by ClinVar (database versions not stated): gnomAD exomes 0.00020; 1000 Genomes Project 0.00799; TOPMed 0.01069; gnomAD 0.02764 and 0.02974.
gnomAD v4.1: 1,330 of 85,598 alleles (1.6%); highest among the groups gnomAD compares: African/African-American, 6.4%; 25 homozygotes.

Submission:

Illumina Laboratory Services, Illumina
Classification: Benign for Hermansky-Pudlak syndrome 4. Last evaluated: 2018-01-13. Review status: criteria provided, single submitter. Criteria: ICSL Variant Classification Criteria 13 December 2019. Collection method: clinical testing. Allele origin: germline.
Comment: This variant was observed in the ICSL laboratory as part of a predisposition screen in an ostensibly healthy population. It had not been previously curated by ICSL or reported in the Human Gene Mutation Database (HGMD: prior to June 1st, 2018), and was therefore a candidate for classification through an automated scoring system. Utilizing variant allele frequency, disease prevalence and penetrance estimates, and inheritance mode, an automated score was calculated to assess if this variant is too frequent to cause the disease. Based on the score and internal cut-off values, a variant classified as benign is not then subjected to further curation. The score for this variant resulted in a classification of benign for this disease.